The following is an entry in ClinVar:

ClinVar aggregate classification (germline): Benign (1 of 4 stars; one submission).

Allele frequency attached by ClinVar (database versions not stated): 1000 Genomes Project 0.62859; 1000 Genomes Project 30x 0.63616; TOPMed 0.78616; gnomAD 0.79450 and 0.80716; gnomAD exomes 0.84741.
gnomAD v4.1: 1,110,036 of 1,320,936 alleles (84%); highest among the groups gnomAD compares: Non-Finnish European, 89%; 476,528 homozygotes.

Submission:

GeneDx
Classification: Benign. Last evaluated: 2018-06-14. Review status: criteria provided, single submitter. Criteria: GeneDx Variant Classification (06012015). Collection method: clinical testing. Allele origin: germline. Affected: yes.
Comment: This variant is considered likely benign or benign based on one or more of the following criteria: it is a conservative change, it occurs at a poorly conserved position in the protein, it is predicted to be benign by multiple in silico algorithms, and/or has population frequency not consistent with disease.

NM_002529.4(NTRK1):c.1806-106T>C

Gene: NTRK1 (neurotrophic receptor tyrosine kinase 1; plus strand). Cytogenetic location: 1q23.1.
Variant type: single nucleotide variant.
Coding change: c.1806-106T>C on transcript NM_002529.4 (MANE Select); 106 bases into the intron before coding-DNA position 1806, T replaced by C.
Molecular consequence: intron variant.
Genome position (GRCh38, 1-based): chr1:156,879,016, T>C. VCF-style: chr1-156879016-T-C. GRCh37 (hg19) VCF-style: chr1-156848808-T-C.
Other names: c.1698-106T>C (NM_001007792.1); c.1788-106T>C (NM_001012331.2).
Identifiers: ClinVar variation 667764 (VCV000667764.1), dbSNP rs2768757, ClinGen allele CA16067252.